The following is an entry in ClinVar:

NM_001025389.2(AMPD3):c.1431-7C>A

Gene: AMPD3 (adenosine monophosphate deaminase 3; plus strand). Cytogenetic location: 11p15.4.
Variant type: single nucleotide variant.
Coding change: c.1431-7C>A on transcript NM_001025389.2 (MANE Select); 7 bases into the intron before coding-DNA position 1431, C replaced by A.
Molecular consequence: intron variant.
Genome position (GRCh38, 1-based): chr11:10,496,805, C>A. VCF-style: chr11-10496805-C-A. GRCh37 (hg19) VCF-style: chr11-10518352-C-A.
Other names: c.954-7C>A (NM_001172431.2); c.1458-7C>A (NM_000480.3); c.1452-7C>A (NM_001025390.2); c.1431-7C>A (NM_001172430.1).
Identifiers: ClinVar variation 3053536 (VCV003053536.2), dbSNP rs777416663, ClinGen allele CA5883034.

ClinVar aggregate classification (germline): Likely benign (0 of 4 stars; one submission).

Conditions:
AMPD3-related disorder. Also called: AMPD3-related condition.

Submission:

PreventionGenetics, part of Exact Sciences
Classification: Likely benign for AMPD3-related condition. Last evaluated: 2019-09-05. Review status: no assertion criteria provided. Collection method: clinical testing. Allele origin: germline.
Comment: This variant is classified as likely benign based on ACMG/AMP sequence variant interpretation guidelines (Richards et al. 2015 PMID: 25741868, with internal and published modifications).